The following is an entry in ClinVar:

NM_006383.4(CIB2):c.478G>A (p.Gly160Ser)

Gene: CIB2 (calcium and integrin binding family member 2; minus strand). Cytogenetic location: 15q25.1.
Variant type: single nucleotide variant.
Coding change: c.478G>A on transcript NM_006383.4 (MANE Select); coding-DNA position 478, G replaced by A.
Protein change: p.Gly160Ser; replaces glycine 160 with serine.
Molecular consequence: missense variant. On other transcripts: non-coding transcript variant (1).
Genome position (GRCh38, 1-based): chr15:78,105,803, C>T on the plus strand (G>A on the coding strand, the complement: CIB2 is on the minus strand). VCF-style: chr15-78105803-C-T. GRCh37 (hg19) VCF-style: chr15-78398145-C-T.
Other names: c.349G>A, p.Gly117Ser (NM_001271888.2); c.331G>A, p.Gly111Ser (NM_001271889.2); c.493G>A, p.Gly165Ser (NM_001301224.2); short protein forms G117S, G111S, G160S, G165S.
Identifiers: ClinVar variation 1944534 (VCV001944534.4), dbSNP rs753714402, ClinGen allele CA7680162.

ClinVar aggregate classification (germline): Uncertain significance (1 of 4 stars; one submission).

Allele frequency attached by ClinVar (database versions not stated): TOPMed below 0.00001; gnomAD 0.00002; gnomAD exomes 0.00001; ExAC 0.00002.
gnomAD v4.1: 11 of 1,614,086 alleles (0.00068%); highest among the groups gnomAD compares: Admixed American, 0.012%; no homozygotes.

Submission:

Labcorp Genetics (formerly Invitae), Labcorp
Classification: Uncertain significance. Last evaluated: 2022-03-27. Review status: criteria provided, single submitter. Criteria: Invitae Variant Classification Sherloc (09022015). Collection method: clinical testing. Allele origin: germline.
Comment: This variant is present in population databases (rs753714402, gnomAD 0.02%). This sequence change replaces glycine, which is neutral and non-polar, with serine, which is neutral and polar, at codon 160 of the CIB2 protein (p.Gly160Ser). This variant has not been reported in the literature in individuals affected with CIB2-related conditions. Algorithms developed to predict the effect of missense changes on protein structure and function are either unavailable or do not agree on the potential impact of this missense change (SIFT: "Not Available"; PolyPhen-2: "Possibly Damaging"; Align-GVGD: "Not Available"). In summary, the available evidence is currently insufficient to determine the role of this variant in disease. Therefore, it has been classified as a Variant of Uncertain Significance.